The following is an entry in ClinVar:

NM_001958.5(EEF1A2):c.1102A>G (p.Ile368Val)

Gene: EEF1A2 (eukaryotic translation elongation factor 1 alpha 2; minus strand). Cytogenetic location: 20q13.33.
Variant type: single nucleotide variant.
Coding change: c.1102A>G on transcript NM_001958.5 (MANE Select); coding-DNA position 1102, A replaced by G.
Protein change: p.Ile368Val; replaces isoleucine 368 with valine.
Molecular consequence: missense variant.
Genome position (GRCh38, 1-based): chr20:63,489,080, T>C on the plus strand (A>G on the coding strand, the complement: EEF1A2 is on the minus strand). VCF-style: chr20-63489080-T-C. GRCh37 (hg19) VCF-style: chr20-62120433-T-C.
Other names: short protein forms I368V.
Identifiers: ClinVar variation 1306812 (VCV001306812.6), dbSNP rs2082366535, ClinGen allele CA409644827.

ClinVar aggregate classification (germline): Uncertain significance. Review status: criteria provided, multiple submitters, no conflicts (2 of 4 stars). 3 submissions from 3 submitters: Uncertain significance (3). Last evaluated 2024-04-12.

Conditions:
Developmental and epileptic encephalopathy, 33 (DEE33). Also called: Epileptic encephalopathy, early infantile, 33. Identifiers: Orphanet 442835, MedGen C4225337, MONDO:0014625, OMIM 616409.

Allele frequency attached by ClinVar (database versions not stated): TOPMed below 0.00001; gnomAD 0.00001.

Submissions (3):

Labcorp Genetics (formerly Invitae), Labcorp
Classification: Uncertain significance for Developmental and epileptic encephalopathy, 33. Last evaluated: 2024-04-12. Review status: criteria provided, single submitter. Criteria: Invitae Variant Classification Sherloc (09022015). Collection method: clinical testing. Allele origin: germline.
Comment: This sequence change replaces isoleucine, which is neutral and non-polar, with valine, which is neutral and non-polar, at codon 368 of the EEF1A2 protein (p.Ile368Val). This variant is not present in population databases (gnomAD no frequency). This variant has not been reported in the literature in individuals affected with EEF1A2-related conditions. ClinVar contains an entry for this variant (Variation ID: 1306812). Advanced modeling of protein sequence and biophysical properties (such as structural, functional, and spatial information, amino acid conservation, physicochemical variation, residue mobility, and thermodynamic stability) performed at Invitae indicates that this missense variant is not expected to disrupt EEF1A2 protein function with a negative predictive value of 80%. In summary, the available evidence is currently insufficient to determine the role of this variant in disease. Therefore, it has been classified as a Variant of Uncertain Significance.

Blueprint Genetics
Classification: Uncertain significance. Last evaluated: 2022-04-27. Review status: criteria provided, single submitter. Criteria: ACMG Guidelines, 2015. Collection method: clinical testing. Allele origin: germline.

GeneDx
Classification: Uncertain significance. Last evaluated: 2019-07-16. Review status: criteria provided, single submitter. Criteria: GeneDx Variant Classification Process June 2021. Collection method: clinical testing. Allele origin: germline. Affected: yes.
Comment: Not observed in large population cohorts (Lek et al., 2016); In silico analysis, which includes protein predictors and evolutionary conservation, supports that this variant does not alter protein structure/function; Has not been previously published as pathogenic or benign to our knowledge